The following is an entry in ClinVar:

NM_001023570.4(IQCB1):c.1657C>T (p.His553Tyr)

Gene: IQCB1 (IQ motif containing B1; minus strand). Cytogenetic location: 3q13.33.
Variant type: single nucleotide variant.
Coding change: c.1657C>T on transcript NM_001023570.4 (MANE Select); coding-DNA position 1657, C replaced by T.
Protein change: p.His553Tyr; replaces histidine 553 with tyrosine.
Molecular consequence: missense variant. On other transcripts: non-coding transcript variant (1).
Genome position (GRCh38, 1-based): chr3:121,770,485, G>A on the plus strand (C>T on the coding strand, the complement: IQCB1 is on the minus strand). VCF-style: chr3-121770485-G-A. GRCh37 (hg19) VCF-style: chr3-121489332-G-A.
Other names: c.1258C>T, p.His420Tyr (NM_001023571.4); c.1657C>T, p.His553Tyr (NM_001319107.2); short protein forms H420Y, H553Y.
Identifiers: ClinVar variation 840360 (VCV000840360.13), dbSNP rs766439338, ClinGen allele CA2567037.

ClinVar aggregate classification (germline): Uncertain significance. Review status: criteria provided, multiple submitters, no conflicts (2 of 4 stars). 4 submissions from 4 submitters: Uncertain significance (4). Last evaluated 2025-01-06.

Conditions:
Nephronophthisis. Also called: Juvenile Nephronophthisis. Identifiers: Orphanet 655, MedGen C0687120, MONDO:0019005, HP:0000090.
Inborn genetic diseases. Identifiers: MedGen C0950123, MeSH D030342.
Senior-Loken syndrome 5 (SLSN5). Identifiers: Orphanet 3156, MedGen C1836517, MONDO:0012225, OMIM 609254.

Allele frequency attached by ClinVar (database versions not stated): ExAC 0.00002; gnomAD exomes 0.00002 and 0.00003; TOPMed 0.00002; gnomAD 0.00003 and 0.00004.
gnomAD v4.1: 51 of 1,614,034 alleles (0.0032%); highest among the groups gnomAD compares: Non-Finnish European, 0.0036%; no homozygotes.

Submissions (4):

Labcorp Genetics (formerly Invitae), Labcorp
Classification: Uncertain significance for Nephronophthisis. Last evaluated: 2025-01-06. Review status: criteria provided, single submitter. Criteria: Invitae Variant Classification Sherloc (09022015). Collection method: clinical testing. Allele origin: germline.
Comment: This sequence change replaces histidine, which is basic and polar, with tyrosine, which is neutral and polar, at codon 553 of the IQCB1 protein (p.His553Tyr). This variant is present in population databases (rs766439338, gnomAD 0.004%). This variant has not been reported in the literature in individuals affected with IQCB1-related conditions. ClinVar contains an entry for this variant (Variation ID: 840360). Invitae Evidence Modeling of protein sequence and biophysical properties (such as structural, functional, and spatial information, amino acid conservation, physicochemical variation, residue mobility, and thermodynamic stability) has been performed for this missense variant. However, the output from this modeling did not meet the statistical confidence thresholds required to predict the impact of this variant on IQCB1 protein function. In summary, the available evidence is currently insufficient to determine the role of this variant in disease. Therefore, it has been classified as a Variant of Uncertain Significance.

Fulgent Genetics
Classification: Uncertain significance for Senior-Loken syndrome 5. Last evaluated: 2024-05-04. Review status: criteria provided, single submitter. Criteria: ACMG Guidelines, 2015. Collection method: clinical testing. Allele origin: germline.

Ambry Genetics
Classification: Uncertain significance for Inborn genetic diseases. Last evaluated: 2023-07-14. Review status: criteria provided, single submitter. Criteria: Ambry Variant Classification Scheme 2023. Collection method: clinical testing. Allele origin: germline.

Blueprint Genetics
Classification: Uncertain significance. Last evaluated: 2021-05-09. Review status: criteria provided, single submitter. Criteria: ACMG Guidelines, 2015. Collection method: clinical testing. Allele origin: germline.